The following is an entry in ClinVar:

NM_012200.4(B3GAT3):c.1A>T (p.Met1Leu)

Gene: B3GAT3 (beta-1,3-glucuronyltransferase 3; minus strand). Cytogenetic location: 11q12.3.
Variant type: single nucleotide variant.
Coding change: c.1A>T on transcript NM_012200.4 (MANE Select); coding-DNA position 1, A replaced by T.
Protein change: p.Met1Leu; changes the start codon (methionine 1).
Molecular consequence: missense variant, initiator codon variant. On other transcripts: 5 prime UTR variant (1), non-coding transcript variant (1).
Genome position (GRCh38, 1-based): chr11:62,621,947, T>A on the plus strand (A>T on the coding strand, the complement: B3GAT3 is on the minus strand). VCF-style: chr11-62621947-T-A. GRCh37 (hg19) VCF-style: chr11-62389419-T-A.
Other names: c.-260A>T (NM_001288721.2); c.1A>T, p.Met1Leu (NM_001288722.2, NM_001288723.2); c.1A>T (NM_012200.3); short protein forms M1L.
Identifiers: ClinVar variation 1174609 (VCV001174609.13), dbSNP rs139759238, ClinGen allele CA6050275.
Genomic context (GRCh38, chr11:62,621,947, plus strand): 5'-GGAGGCCGGCGATCGACACCAGGAAGTAGGCGAGAAACACGTTCTTCAGCTTCAGCTTCA[T>A]GGCCGCGCCGCCGCCCGCGCCCGAGCAGGCGGGGTCTGCAGGGGACGAGGGGTTCCCGCC-3'
Protein context (NP_036332.2, residues 1-11): [Met1Leu]KLKLKNVFLA

ClinVar aggregate classification (germline): Pathogenic/Likely pathogenic. Review status: criteria provided, multiple submitters, no conflicts (2 of 4 stars). 5 submissions from 5 submitters: Pathogenic (1); Likely pathogenic (1). 3 of the submissions do not count toward it. Last evaluated 2025-09-04.

Conditions:
Larsen-like syndrome, B3GAT3 type. Also called: Multiple joint dislocations, short stature, craniofacial dysmorphism, with or without congenital heart defects; MULTIPLE JOINT DISLOCATIONS, SHORT STATURE, AND CRANIOFACIAL DYSMORPHISM WITH OR WITHOUT CONGENITAL HEART DEFECTS. Identifiers: Orphanet 284139, MedGen CN034159, MONDO:0009511, OMIM 245600.

Allele frequency attached by ClinVar (database versions not stated): ExAC 0.00002; gnomAD exomes 0.00002; ESP Exome Variant Server 0.00008.

Submissions (5):

Labcorp Genetics (formerly Invitae), Labcorp
Classification: Likely pathogenic for Larsen-like syndrome, B3GAT3 type. Last evaluated: 2025-09-04. Review status: criteria provided, single submitter. Criteria: Invitae Variant Classification Sherloc (09022015). Collection method: clinical testing. Allele origin: germline.
Comment: This sequence change affects the initiator codon of the B3GAT3 mRNA. This change may impact translation initiation or efficiency. The next in-frame methionine is located at codon 207. This variant is present in population databases (rs139759238, gnomAD 0.005%). Disruption of the initiator codon has been observed in individual(s) with B3GAT3-related conditions (PMID: 27871226). ClinVar contains an entry for this variant (Variation ID: 1174609). Algorithms developed to predict the effect of variants on gene product structure and function are not available or were not evaluated for this variant. Experimental studies have shown that disruption of the initiator codon affects B3GAT3 function (PMID: 27871226). This variant disrupts a region of the B3GAT3 protein in which other variant(s) (p.Arg161Trp) have been observed in individuals with B3GAT3-related conditions (PMID: 31438591). This suggests that this is a clinically significant region of the protein, and that variants that disrupt it are likely to be disease-causing. In summary, the currently available evidence indicates that the variant is pathogenic, but additional data are needed to prove that conclusively. Therefore, this variant has been classified as Likely Pathogenic.

GeneDx
Classification: Pathogenic. Last evaluated: 2023-10-23. Review status: criteria provided, single submitter. Criteria: GeneDx Variant Classification Process June 2021. Collection method: clinical testing. Allele origin: germline.
Comment: Initiation codon variant in a gene for which loss of function is a known mechanism of disease; Not observed at significant frequency in large population cohorts (gnomAD); Has not been previously published as pathogenic or benign to our knowledge

Clinical Genetics DNA and cytogenetics Diagnostics Lab, Erasmus MC, Erasmus Medical Center
Classification: Likely pathogenic. Review status: no assertion criteria provided. Collection method: clinical testing. Allele origin: germline. Affected: yes. Study: VKGL Data-share Consensus. Not counted in ClinVar's aggregate classification.

Diagnostic Laboratory, Department of Genetics, University Medical Center Groningen
Classification: Likely pathogenic. Review status: no assertion criteria provided. Collection method: clinical testing. Allele origin: germline. Affected: yes. Study: VKGL Data-share Consensus. Not counted in ClinVar's aggregate classification.

Genome Diagnostics Laboratory, Amsterdam University Medical Center
Classification: Pathogenic. Review status: no assertion criteria provided. Collection method: clinical testing. Allele origin: germline. Affected: yes. Study: VKGL Data-share Consensus. Not counted in ClinVar's aggregate classification.

Literature cited by the submitters: PubMed 27871226 (cited by Labcorp Genetics (formerly Invitae), Labcorp); PubMed 31438591 (cited by Labcorp Genetics (formerly Invitae), Labcorp).